The following is an entry in ClinVar:

ClinVar aggregate classification (germline): Uncertain significance (1 of 4 stars; one submission).

Submission:

Labcorp Genetics (formerly Invitae), Labcorp
Classification: Uncertain significance. Last evaluated: 2025-12-26. Review status: criteria provided, single submitter. Criteria: Invitae Variant Classification Sherloc (09022015). Collection method: clinical testing. Allele origin: germline.
Comment: This sequence change replaces glycine, which is neutral and non-polar, with alanine, which is neutral and non-polar, at codon 443 of the CLCN7 protein (p.Gly443Ala). This variant is not present in population databases (gnomAD no frequency). This variant has not been reported in the literature in individuals affected with CLCN7-related conditions. Invitae Evidence Modeling of protein sequence and biophysical properties (such as structural, functional, and spatial information, amino acid conservation, physicochemical variation, residue mobility, and thermodynamic stability) indicates that this missense variant is not expected to disrupt CLCN7 protein function with a negative predictive value of 95%. In summary, the available evidence is currently insufficient to determine the role of this variant in disease. Therefore, it has been classified as a Variant of Uncertain Significance.

NM_001287.6(CLCN7):c.1328G>C (p.Gly443Ala)

Gene: CLCN7 (Cl-/H+ antiporter 7; minus strand). Cytogenetic location: 16p13.3.
Variant type: single nucleotide variant.
Coding change: c.1328G>C on transcript NM_001287.6 (MANE Select); coding-DNA position 1328, G replaced by C.
Protein change: p.Gly443Ala; replaces glycine 443 with alanine.
Molecular consequence: missense variant.
Genome position (GRCh38, 1-based): chr16:1,452,780, C>G on the plus strand (G>C on the coding strand, the complement: CLCN7 is on the minus strand). VCF-style: chr16-1452780-C-G. GRCh37 (hg19) VCF-style: chr16-1502781-C-G.
Other names: c.1256G>C, p.Gly419Ala (NM_001114331.3); short protein forms G419A, G443A.
Identifiers: ClinVar variation 4802818 (VCV004802818.1).